The following is an entry in ClinVar:

ClinVar aggregate classification (germline): Uncertain significance. Review status: criteria provided, multiple submitters, no conflicts (2 of 4 stars). 2 submissions from 2 submitters: Uncertain significance (2). Last evaluated 2024-03-28.

Conditions:
Hyperkalemic periodic paralysis. Also called: Familial hyperkalemic periodic paralysis; Gamstorp disease. Identifiers: Orphanet 682, MedGen C0238357, MONDO:0008224, OMIM 170500, HP:0007215.

Submissions (2):

Labcorp Genetics (formerly Invitae), Labcorp
Classification: Uncertain significance for Hyperkalemic periodic paralysis. Last evaluated: 2024-03-28. Review status: criteria provided, single submitter. Criteria: Invitae Variant Classification Sherloc (09022015). Collection method: clinical testing. Allele origin: germline.
Comment: This sequence change replaces methionine, which is neutral and non-polar, with valine, which is neutral and non-polar, at codon 1040 of the SCN4A protein (p.Met1040Val). This variant is present in population databases (no rsID available, gnomAD 0.002%). This variant has not been reported in the literature in individuals affected with SCN4A-related conditions. ClinVar contains an entry for this variant (Variation ID: 2572711). Advanced modeling of protein sequence and biophysical properties (such as structural, functional, and spatial information, amino acid conservation, physicochemical variation, residue mobility, and thermodynamic stability) has been performed at Invitae for this missense variant, however the output from this modeling did not meet the statistical confidence thresholds required to predict the impact of this variant on SCN4A protein function. In summary, the available evidence is currently insufficient to determine the role of this variant in disease. Therefore, it has been classified as a Variant of Uncertain Significance.

GeneDx
Classification: Uncertain significance. Last evaluated: 2023-01-12. Review status: criteria provided, single submitter. Criteria: GeneDx Variant Classification Process June 2021. Collection method: clinical testing. Allele origin: germline. Affected: yes.
Comment: Not observed at significant frequency in large population cohorts (gnomAD); In silico analysis supports that this missense variant has a deleterious effect on protein structure/function; Has not been previously published as pathogenic or benign to our knowledge

NM_000334.4(SCN4A):c.3118A>G (p.Met1040Val)

Genes: GH-LCR (growth hormone locus control region; plus strand), SCN4A (sodium voltage-gated channel alpha subunit 4; minus strand). Cytogenetic location: 17q23.3.
Variant type: single nucleotide variant.
Coding change: c.3118A>G on transcript NM_000334.4 (MANE Select); coding-DNA position 3118, A replaced by G.
Protein change: p.Met1040Val; replaces methionine 1040 with valine.
Molecular consequence: missense variant.
Genome position (GRCh38, 1-based): chr17:63,948,637, T>C on the plus strand (A>G on the coding strand, the complement: SCN4A is on the minus strand). VCF-style: chr17-63948637-T-C. GRCh37 (hg19) VCF-style: chr17-62025997-T-C.
Other names: short protein forms M1040V.
Identifiers: ClinVar variation 2572711 (VCV002572711.3), dbSNP rs1266898562, ClinGen allele CA400621554.